The following is an entry in ClinVar:

ClinVar aggregate classification (germline): Uncertain significance. Review status: criteria provided, multiple submitters, no conflicts (2 of 4 stars). 4 submissions from 4 submitters: Uncertain significance (4). Last evaluated 2025-08-20.

Conditions:
Neurofibromatosis, type 1 (NF1). Also called: Peripheral type neurofibromatosis; Neurofibromatosis, type I; VON RECKLINGHAUSEN DISEASE; NEUROFIBROMATOSIS, TYPE I, SOMATIC. Identifiers: Orphanet 636, MedGen C0027831, MONDO:0018975, OMIM 162200. Disease mechanism: loss of function.
Cardiovascular phenotype. Identifiers: MedGen CN230736.
Hereditary cancer-predisposing syndrome. Also called: Hereditary neoplastic syndrome; Tumor predisposition; Neoplastic Syndromes, Hereditary; Hereditary Cancer Syndrome. Identifiers: Orphanet 140162, MedGen C0027672, MeSH D009386, MONDO:0015356.

Submissions (4):

Ambry Genetics
Classification: Uncertain significance for Cardiovascular phenotype; Hereditary cancer-predisposing syndrome. Last evaluated: 2025-08-20. Review status: criteria provided, single submitter. Criteria: Ambry Variant Classification Scheme 2023. Collection method: clinical testing. Allele origin: germline.
Comment: The p.A690S variant (also known as c.2068G>T), located in coding exon 18 of the NF1 gene, results from a G to T substitution at nucleotide position 2068. The alanine at codon 690 is replaced by serine, an amino acid with similar properties. This amino acid position is conserved. In addition, this alteration is predicted to be tolerated by in silico analysis. Since supporting evidence is limited at this time, the clinical significance of this alteration remains unclear.

Laboratorio de I+D, Fundación Centro Médico de Asturias
Classification: Uncertain significance for Hereditary cancer-predisposing syndrome. Last evaluated: 2025-07-17. Review status: criteria provided, single submitter. Criteria: ACMG Guidelines, 2015. Collection method: clinical testing. Allele origin: germline.
Comment: PM1+PM2_Supporting+BP4_Moderate

GeneDx
Classification: Uncertain significance. Last evaluated: 2025-03-03. Review status: criteria provided, single submitter. Criteria: GeneDx Variant Classification Process June 2021. Collection method: clinical testing. Allele origin: germline. Affected: yes.
Comment: Not observed at significant frequency in large population cohorts (gnomAD); In silico analysis indicates that this missense variant does not alter protein structure/function; Has not been previously published as pathogenic or benign to our knowledge; This variant is associated with the following publications: (PMID: 25486365)

Labcorp Genetics (formerly Invitae), Labcorp
Classification: Uncertain significance for Neurofibromatosis, type 1. Last evaluated: 2024-10-21. Review status: criteria provided, single submitter. Criteria: Invitae Variant Classification Sherloc (09022015). Collection method: clinical testing. Allele origin: germline.
Comment: This sequence change replaces alanine, which is neutral and non-polar, with serine, which is neutral and polar, at codon 690 of the NF1 protein (p.Ala690Ser). This variant is not present in population databases (gnomAD no frequency). This variant has not been reported in the literature in individuals affected with NF1-related conditions. ClinVar contains an entry for this variant (Variation ID: 2479016). Invitae Evidence Modeling of protein sequence and biophysical properties (such as structural, functional, and spatial information, amino acid conservation, physicochemical variation, residue mobility, and thermodynamic stability) indicates that this missense variant is not expected to disrupt NF1 protein function with a negative predictive value of 95%. In summary, the available evidence is currently insufficient to determine the role of this variant in disease. Therefore, it has been classified as a Variant of Uncertain Significance.

NM_001042492.3(NF1):c.2068G>T (p.Ala690Ser)

Gene: NF1 (neurofibromin 1; plus strand). Cytogenetic location: 17q11.2.
Variant type: single nucleotide variant.
Coding change: c.2068G>T on transcript NM_001042492.3 (MANE Select); coding-DNA position 2068, G replaced by T.
Protein change: p.Ala690Ser; replaces alanine 690 with serine.
Molecular consequence: missense variant.
Genome position (GRCh38, 1-based): chr17:31,226,501, G>T. VCF-style: chr17-31226501-G-T. GRCh37 (hg19) VCF-style: chr17-29553519-G-T.
Other names: c.2068G>T, p.Ala690Ser (NM_000267.4); short protein forms A690S.
Identifiers: ClinVar variation 2479016 (VCV002479016.6), dbSNP rs2151425689, ClinGen allele CA398982154.
Genomic context (GRCh38, chr17:31,226,501, plus strand): 5'-GCAGCAGGATGCAGCGGAACCCCCCCGATTTGCCGACAAGCCCAGACCAAACTAGAAGTG[G>T]CCCTGTACATGTTTCTGTGGAACCCTGACACTGAAGCTGTTCTGGTTGCCATGTCCTGTT-3'
Protein context (NP_001035957.1, residues 680-700): CRQAQTKLEV[Ala690Ser]LYMFLWNPDT